The following is an entry in ClinVar:

ClinVar aggregate classification (germline): Benign (1 of 4 stars; one submission).

gnomAD v4.1: 697 of 1,603,998 alleles (0.043%); highest among the groups gnomAD compares: Non-Finnish European, 0.049%; 3 homozygotes.

Submission:

CeGaT Center for Human Genetics Tuebingen
Classification: Benign. Last evaluated: 2024-08-01. Review status: criteria provided, single submitter. Criteria: CeGaT Center For Human Genetics Tuebingen Variant Classification Criteria Version 2. Collection method: clinical testing. Allele origin: germline. Affected: yes. Observed: 1 variant allele.
Comment: SPTBN5: BS1, BS2

NM_016642.4(SPTBN5):c.10871C>G (p.Pro3624Arg)

Gene: SPTBN5 (spectrin beta, non-erythrocytic 5; minus strand). Cytogenetic location: 15q15.1.
Variant type: single nucleotide variant.
Coding change: c.10871C>G on transcript NM_016642.4 (MANE Select); coding-DNA position 10871, C replaced by G.
Protein change: p.Pro3624Arg; replaces proline 3624 with arginine.
Molecular consequence: missense variant.
Genome position (GRCh38, 1-based): chr15:41,850,904, G>C on the plus strand (C>G on the coding strand, the complement: SPTBN5 is on the minus strand). VCF-style: chr15-41850904-G-C. GRCh37 (hg19) VCF-style: chr15-42143102-G-C.
Other names: short protein forms P3624R.
Identifiers: ClinVar variation 3341576 (VCV003341576.16).